The following is an entry in ClinVar:

ClinVar aggregate classification (germline): Uncertain significance. Review status: criteria provided, multiple submitters, no conflicts (2 of 4 stars). 3 submissions from 3 submitters: Uncertain significance (3). Last evaluated 2025-05-26.

Conditions:
Immunodeficiency 51 (IMD51). Also called: CANDIDIASIS, FAMILIAL, 5. Identifiers: Orphanet 1334, MedGen C4310803, MONDO:0013500, OMIM 613953.

Allele frequency attached by ClinVar (database versions not stated): gnomAD 0.00001; gnomAD exomes 0.00001; TOPMed 0.00003.
gnomAD v4.1: 13 of 1,613,044 alleles (0.00081%); highest among the groups gnomAD compares: Admixed American, 0.005%; no homozygotes.

Submissions (3):

Ambry Genetics
Classification: Uncertain significance. Last evaluated: 2025-05-26. Review status: criteria provided, single submitter. Criteria: Ambry Variant Classification Scheme 2023. Collection method: clinical testing. Allele origin: germline.

Labcorp Genetics (formerly Invitae), Labcorp
Classification: Uncertain significance for Immunodeficiency 51. Last evaluated: 2022-07-05. Review status: criteria provided, single submitter. Criteria: Invitae Variant Classification Sherloc (09022015). Collection method: clinical testing. Allele origin: germline.
Comment: This sequence change replaces serine, which is neutral and polar, with glycine, which is neutral and non-polar, at codon 730 of the IL17RA protein (p.Ser730Gly). The frequency data for this variant in the population databases is considered unreliable, as metrics indicate poor data quality at this position in the gnomAD database. This variant has not been reported in the literature in individuals affected with IL17RA-related conditions. ClinVar contains an entry for this variant (Variation ID: 1213744). Algorithms developed to predict the effect of missense changes on protein structure and function output the following: SIFT: "Tolerated"; PolyPhen-2: "Benign"; Align-GVGD: "Class C0". The glycine amino acid residue is found in multiple mammalian species, which suggests that this missense change does not adversely affect protein function. In summary, the available evidence is currently insufficient to determine the role of this variant in disease. Therefore, it has been classified as a Variant of Uncertain Significance.

New York Genome Center
Classification: Uncertain significance for Immunodeficiency 51. Last evaluated: 2020-07-17. Review status: criteria provided, single submitter. Criteria: NYGC Assertion Criteria 2020. Collection method: clinical testing. Allele origin: germline. Observed: 1 heterozygote. Study: CSER-NYCKidSeq.

NM_014339.7(IL17RA):c.2188A>G (p.Ser730Gly)

Gene: IL17RA (interleukin 17 receptor A; plus strand). Cytogenetic location: 22q11.1.
Variant type: single nucleotide variant.
Coding change: c.2188A>G on transcript NM_014339.7 (MANE Select); coding-DNA position 2188, A replaced by G.
Protein change: p.Ser730Gly; replaces serine 730 with glycine.
Molecular consequence: missense variant.
Genome position (GRCh38, 1-based): chr22:17,109,407, A>G. VCF-style: chr22-17109407-A-G. GRCh37 (hg19) VCF-style: chr22-17590297-A-G.
Other names: c.2086A>G, p.Ser696Gly (NM_001289905.2); c.2188A>G (NM_014339.5); short protein forms S696G, S730G.
Identifiers: ClinVar variation 1213744 (VCV001213744.8), dbSNP rs1372676490, ClinGen allele CA410221213.
Genomic context (GRCh38, chr22:17,109,407, plus strand): 5'-GGCGCTGGGCGAAATAGCGTCCTCTTCCTCCCCGTGGACCCCGAGGACTCGCCCCTTGGC[A>G]GCAGCACCCCCATGGCGTCTCCTGACCTCCTTCCAGAGGACGTGAGGGAGCACCTCGAAG-3'
Protein context (NP_055154.3, residues 720-740): PVDPEDSPLG[Ser730Gly]STPMASPDLL